The following is an entry in ClinVar:

ClinVar aggregate classification (germline): Pathogenic (1 of 4 stars; one submission).

Conditions:
PRPH2-related disorder. Also called: PRPH2-related condition; PRPH2-related disorders. Identifiers: MedGen CN239395.

Submission:

Labcorp Genetics (formerly Invitae), Labcorp
Classification: Pathogenic for PRPH2-related disorder. Last evaluated: 2024-11-18. Review status: criteria provided, single submitter. Criteria: Invitae Variant Classification Sherloc (09022015). Collection method: clinical testing. Allele origin: germline.
Comment: This sequence change creates a premature translational stop signal (p.Gln178Serfs*78) in the PRPH2 gene. It is expected to result in an absent or disrupted protein product. Loss-of-function variants in PRPH2 are known to be pathogenic (PMID: 8111389, 8485575, 8485576, 8675410, 16916875, 17504850, 22863181, 25675413, 26061163, 27365499, 29555955, 33546218). This variant is not present in population databases (gnomAD no frequency). This variant has not been reported in the literature in individuals affected with PRPH2-related conditions. ClinVar contains an entry for this variant (Variation ID: 2121556). For these reasons, this variant has been classified as Pathogenic.

Literature cited by the submitters: PubMed 8111389; PubMed 8485575; PubMed 8485576; PubMed 8675410; PubMed 16916875; PubMed 17504850; PubMed 22863181; PubMed 25675413; PubMed 26061163; PubMed 27365499; PubMed 29555955; PubMed 33546218.

NM_000322.5(PRPH2):c.531del (p.Gln178fs)

Gene: PRPH2 (peripherin 2; minus strand). Cytogenetic location: 6p21.1.
Variant type: Deletion.
Coding change: c.531del on transcript NM_000322.5 (MANE Select); coding-DNA position 531, one base deleted (T; older notation c.531delT).
Protein change: p.Gln178fs; shifts the reading frame from glutamine 178.
Molecular consequence: frameshift variant.
Genome position (GRCh38, 1-based): chr6:42,721,804, A deleted on the plus strand (T on the coding strand, the reverse complement: PRPH2 is on the minus strand); the first of 2 consecutive A bases (chr6:42,721,804-42,721,805); deleting either gives the same sequence. VCF-style (leftmost placement, unchanged base first): chr6-42721803-GA-G. GRCh37 (hg19) VCF-style: chr6-42689541-GA-G.
Other names: short protein forms Q178fs.
Identifiers: ClinVar variation 2121556 (VCV002121556.4), dbSNP rs2548309605, ClinGen allele CA2580074532.